The following is an entry in ClinVar:

NM_000516.7(GNAS):c.139G>C (p.Gly47Arg)

Gene: GNAS (GNAS complex locus; plus strand). Cytogenetic location: 20q13.32.
Variant type: single nucleotide variant.
Coding change: c.139G>C on transcript NM_000516.7 (MANE Select); coding-DNA position 139, G replaced by C.
Protein change: p.Gly47Arg; replaces glycine 47 with arginine.
Molecular consequence: missense variant. On other transcripts: intron variant (11).
Genome position (GRCh38, 1-based): chr20:58,891,865, G>C. VCF-style: chr20-58891865-G-C. GRCh37 (hg19) VCF-style: chr20-57466920-G-C.
Other names: c.139G>C, p.Gly47Arg (NM_001077488.5, NM_001077489.4, NM_001309842.2 and 1 more transcripts); c.*43-3747G>C (NM_016592.5); c.44-3747G>C (NM_001410912.1); c.-38-3747G>C (NM_001309861.2); c.*1-3747G>C (NM_001077490.3); c.2069-3747G>C (NM_080425.4, NM_001410913.1); c.*159-3747G>C (NM_001309883.1); c.-39+2512G>C (NM_001438273.1, NM_001309840.2); and 1 more; short protein forms G47R.
Identifiers: ClinVar variation 5041552 (VCV005041552.1).
Genomic context (GRCh38, chr20:58,891,865, plus strand): 5'-GAGAAGCAGCTGCAGAAGGACAAGCAGGTCTACCGGGCCACGCACCGCCTGCTGCTGCTG[G>C]GTAAGGGCGGGCGGGGGGCGCCGGCCCCGGCCCGGGGGCCCTCGAAGGGCGCCCCGCAGG-3'
Protein context (NP_000507.1, residues 37-57): YRATHRLLLL[Gly47Arg]AGESGKSTIV

ClinVar aggregate classification (germline): Likely pathogenic (1 of 4 stars; one submission).

Submission:

CeGaT Center for Human Genetics Tuebingen
Classification: Likely pathogenic. Last evaluated: 2026-09-01. Review status: criteria provided, single submitter. Criteria: CeGaT Center For Human Genetics Tuebingen Variant Classification Criteria Version 2. Collection method: clinical testing. Allele origin: germline. Affected: yes. Observed: 1 variant allele.
Comment: GNAS: PM1, PM2, PP2, PP3